The following is an entry in ClinVar:

ClinVar aggregate classification (germline): Uncertain significance (1 of 4 stars; one submission).

Allele frequency attached by ClinVar (database versions not stated): gnomAD exomes below 0.00001.
gnomAD v4.1: 1 of 1,614,194 alleles (0.000062%); highest among the groups gnomAD compares: Non-Finnish European, 0.000085%; no homozygotes.

Submission:

Ambry Genetics
Classification: Uncertain significance. Last evaluated: 2021-10-07. Review status: criteria provided, single submitter. Criteria: Ambry Variant Classification Scheme 2023. Collection method: clinical testing. Allele origin: germline.
Comment: The p.N886D variant (also known as c.2656A>G), located in coding exon 13 of the NPAT gene, results from an A to G substitution at nucleotide position 2656. The asparagine at codon 886 is replaced by aspartic acid, an amino acid with highly similar properties. This amino acid position is conserved. In addition, this alteration is predicted to be tolerated by in silico analysis. Since supporting evidence is limited at this time, the clinical significance of this alteration remains unclear.

NM_002519.3(NPAT):c.2656A>G (p.Asn886Asp)

Gene: NPAT (nuclear protein, coactivator of histone transcription; minus strand). Cytogenetic location: 11q22.3.
Variant type: single nucleotide variant.
Coding change: c.2656A>G on transcript NM_002519.3 (MANE Select); coding-DNA position 2656, A replaced by G.
Protein change: p.Asn886Asp; replaces asparagine 886 with aspartic acid.
Molecular consequence: missense variant.
Genome position (GRCh38, 1-based): chr11:108,172,328, T>C on the plus strand (A>G on the coding strand, the complement: NPAT is on the minus strand). VCF-style: chr11-108172328-T-C. GRCh37 (hg19) VCF-style: chr11-108043055-T-C.
Other names: c.2656A>G, p.Asn886Asp (NM_001321307.1); short protein forms N886D.
Identifiers: ClinVar variation 1794378 (VCV001794378.2), dbSNP rs906277148, ClinGen allele CA228383383.